The following is an entry in ClinVar:

NM_000399.5(EGR2):c.53T>G (p.Val18Gly)

Gene: EGR2 (early growth response 2; minus strand). Cytogenetic location: 10q21.3.
Variant type: single nucleotide variant.
Coding change: c.53T>G on transcript NM_000399.5 (MANE Select); coding-DNA position 53, T replaced by G.
Protein change: p.Val18Gly; replaces valine 18 with glycine.
Molecular consequence: missense variant. On other transcripts: intron variant (2).
Genome position (GRCh38, 1-based): chr10:62,815,977, A>C on the plus strand (T>G on the coding strand, the complement: EGR2 is on the minus strand). VCF-style: chr10-62815977-A-C. GRCh37 (hg19) VCF-style: chr10-64575737-A-C.
Other names: c.53T>G, p.Val18Gly (NM_001136177.3, NM_001136178.2); c.-90-8T>G (NM_001321037.2, NM_001136179.3); short protein forms V18G.
Identifiers: ClinVar variation 1022556 (VCV001022556.7), dbSNP rs1842258303, ClinGen allele CA377034455.

ClinVar aggregate classification (germline): Uncertain significance (1 of 4 stars; one submission).

Conditions:
Charcot-Marie-Tooth disease, type I (CMT1). Also called: Charcot-Marie-Tooth disease type 1; Charcot-Marie-Tooth, Type 1. Identifiers: Orphanet 65753, MedGen C0751036, MONDO:0019011.

Submission:

Labcorp Genetics (formerly Invitae), Labcorp
Classification: Uncertain significance for Charcot-Marie-Tooth disease, type I. Last evaluated: 2020-01-16. Review status: criteria provided, single submitter. Criteria: Invitae Variant Classification Sherloc (09022015). Collection method: clinical testing. Allele origin: germline.
Comment: This sequence change replaces valine with glycine at codon 18 of the EGR2 protein (p.Val18Gly). The valine residue is weakly conserved and there is a moderate physicochemical difference between valine and gllycine. This variant is not present in population databases (ExAC no frequency). In summary, the available evidence is currently insufficient to determine the role of this variant in disease. Therefore, it has been classified as a Variant of Uncertain Significance. Algorithms developed to predict the effect of missense changes on protein structure and function are either unavailable or do not agree on the potential impact of this missense change (SIFT: "Not Available"; PolyPhen-2: "Benign"; Align-GVGD: "Not Available"). This variant has not been reported in the literature in individuals with EGR2-related conditions.